The following is an entry in ClinVar:

NM_000069.3(CACNA1S):c.2920G>A (p.Val974Met)

Gene: CACNA1S (calcium voltage-gated channel subunit alpha1 S; minus strand). Cytogenetic location: 1q32.1.
Variant type: single nucleotide variant.
Coding change: c.2920G>A on transcript NM_000069.3 (MANE Select); coding-DNA position 2920, G replaced by A.
Protein change: p.Val974Met; replaces valine 974 with methionine.
Molecular consequence: missense variant.
Genome position (GRCh38, 1-based): chr1:201,062,077, C>T on the plus strand (G>A on the coding strand, the complement: CACNA1S is on the minus strand). VCF-style: chr1-201062077-C-T. GRCh37 (hg19) VCF-style: chr1-201031205-C-T.
Other names: short protein forms V974M.
Identifiers: ClinVar variation 387090 (VCV000387090.9), dbSNP rs757840865, ClinGen allele CA079417.

ClinVar aggregate classification (germline): Conflicting classifications of pathogenicity. Review status: criteria provided, conflicting classifications (1 of 4 stars). 4 submissions from 4 submitters: Uncertain significance (3); Likely benign (1). Last evaluated 2025-07-18.

Conditions:
Hypokalemic periodic paralysis, type 1. Also called: Hypokalemic Periodic Paralysis Type 1 (AD); HypoPP. Identifiers: Orphanet 681, MedGen C3714580, MONDO:0042979, OMIM 170400.
Malignant hyperthermia, susceptibility to, 5 (MHS5). Also called: CACNA1S-Related Malignant Hyperthermia Susceptibility. Identifiers: Orphanet 423, MedGen C1866077, MONDO:0011163, OMIM 601887.
Thyrotoxic periodic paralysis, susceptibility to, 1 (TTPP1). Identifiers: Orphanet 79102, MedGen C2749982, MONDO:0008570, OMIM 188580.

Allele frequency attached by ClinVar (database versions not stated): gnomAD below 0.00001 and 0.00001; gnomAD exomes 0.00002.
gnomAD v4.1: 17 of 1,613,912 alleles (0.0011%); highest among the groups gnomAD compares: South Asian, 0.012%; 1 homozygote.

Submissions (4):

Color Diagnostics, LLC DBA Color Health
Classification: Uncertain significance for Malignant hyperthermia, susceptibility to, 5. Last evaluated: 2025-07-18. Review status: criteria provided, single submitter. Criteria: ACMG Guidelines, 2015. Collection method: clinical testing. Allele origin: germline.
Comment: This missense variant replaces valine with methionine at codon 974 of the CACNA1S protein. Computational prediction suggests that this variant may not impact protein structure and function. To our knowledge, functional studies have not been reported for this variant. This variant has not been reported in individuals affected with CACNA1S-related disorders in the literature. This variant has been identified in 6/249998 chromosomes in the general population by the Genome Aggregation Database (gnomAD). The available evidence is insufficient to determine the role of this variant in disease conclusively. Therefore, this variant is classified as a Variant of Uncertain Significance.

Labcorp Genetics (formerly Invitae), Labcorp
Classification: Likely benign for Hypokalemic periodic paralysis, type 1; Malignant hyperthermia, susceptibility to, 5. Last evaluated: 2024-07-11. Review status: criteria provided, single submitter. Criteria: Invitae Variant Classification Sherloc (09022015). Collection method: clinical testing. Allele origin: germline.

Fulgent Genetics
Classification: Uncertain significance for Hypokalemic periodic paralysis, type 1; Thyrotoxic periodic paralysis, susceptibility to, 1; Malignant hyperthermia, susceptibility to, 5. Last evaluated: 2022-02-18. Review status: criteria provided, single submitter. Criteria: ACMG Guidelines, 2015. Collection method: clinical testing. Allele origin: unknown.

GeneDx
Classification: Uncertain significance. Last evaluated: 2016-07-07. Review status: criteria provided, single submitter. Criteria: GeneDx Variant Classification (06012015). Collection method: clinical testing. Allele origin: germline. Affected: yes.
Comment: The V974M variant has not been published as a pathogenic variant, nor has it been reported as a benign variant to our knowledge. It was not observed in approximately 6,500 individuals of European and African American ancestry in the NHLBI Exome Sequencing Project, indicating it is not a common benign variant in these populations. The V974M variant is a conservative amino acid substitution, which is not likely to impact secondary protein structure as these residues share similar properties. However, this substitution occurs at a position that is conserved in mammals, and in silico analysis is inconsistent in its predictions as to whether or not the variant is damaging to the protein structure/function.